The following is an entry in ClinVar:

ClinVar aggregate classification (germline): Uncertain significance (1 of 4 stars; one submission).

Allele frequency attached by ClinVar (database versions not stated): gnomAD exomes 0.00001 and 0.00002; gnomAD 0.00002 and 0.00003; TOPMed 0.00002; ExAC 0.00005.
gnomAD v4.1: 16 of 1,606,802 alleles (0.001%); highest among the groups gnomAD compares: South Asian, 0.012%; no homozygotes.

Submission:

Labcorp Genetics (formerly Invitae), Labcorp
Classification: Uncertain significance. Last evaluated: 2021-08-31. Review status: criteria provided, single submitter. Criteria: Invitae Variant Classification Sherloc (09022015). Collection method: clinical testing. Allele origin: germline.
Comment: This sequence change replaces valine with isoleucine at codon 473 of the DGAT1 protein (p.Val473Ile). The valine residue is moderately conserved and there is a small physicochemical difference between valine and isoleucine. This variant is present in population databases (rs782605643, ExAC 0.03%). This variant has not been reported in the literature in individuals affected with DGAT1-related conditions. Algorithms developed to predict the effect of missense changes on protein structure and function are either unavailable or do not agree on the potential impact of this missense change (SIFT: "Tolerated"; PolyPhen-2: "Possibly Damaging"; Align-GVGD: "Class C0"). In summary, the available evidence is currently insufficient to determine the role of this variant in disease. Therefore, it has been classified as a Variant of Uncertain Significance.

NM_012079.6(DGAT1):c.1417G>A (p.Val473Ile)

Gene: DGAT1 (diacylglycerol O-acyltransferase 1; minus strand). Cytogenetic location: 8q24.3.
Variant type: single nucleotide variant.
Coding change: c.1417G>A on transcript NM_012079.6 (MANE Select); coding-DNA position 1417, G replaced by A.
Protein change: p.Val473Ile; replaces valine 473 with isoleucine.
Molecular consequence: missense variant.
Genome position (GRCh38, 1-based): chr8:144,316,604, C>T on the plus strand (G>A on the coding strand, the complement: DGAT1 is on the minus strand). VCF-style: chr8-144316604-C-T. GRCh37 (hg19) VCF-style: chr8-145540267-C-T.
Other names: short protein forms V473I.
Identifiers: ClinVar variation 1446023 (VCV001446023.5), dbSNP rs782605643, ClinGen allele CA4936513.
Genomic context (GRCh38, chr8:144,316,604, plus strand): 5'-CAGGTGCAGCTCAGGCCTCTGCCGCTGGGGCCTCATAGTTGAGCACGTAGTAGTCGTGGA[C>T]GTACATGAGGACGGCTATTGGCTGTCCGATGATGAGCGACAGCCACACAGCTGCGTTGCC-3'
Protein context (NP_036211.2, residues 463-483): IGQPIAVLMY[Val473Ile]HDYYVLNYEA